The following is an entry in ClinVar:

NM_001148.6(ANK2):c.7228G>C (p.Glu2410Gln)

Genes: ANK2 (ankyrin 2; plus strand), LOC126807137 (CDK7 strongly-dependent group 2 enhancer GRCh37_chr4:114276560-114277759; plus strand). Cytogenetic location: 4q26.
Variant type: single nucleotide variant.
Coding change: c.7228G>C on transcript NM_001148.6 (MANE Select); coding-DNA position 7228, G replaced by C.
Protein change: p.Glu2410Gln; replaces glutamic acid 2410 with glutamine.
Molecular consequence: missense variant. On other transcripts: intron variant (68).
Genome position (GRCh38, 1-based): chr4:113,355,846, G>C. VCF-style: chr4-113355846-G-C. GRCh37 (hg19) VCF-style: chr4-114277002-G-C.
Other names: c.4376-4977G>C (NM_001354254.2); c.4397-4977G>C (NM_001354239.2, NM_001354252.2); c.4298-4977G>C (NM_001354272.2); c.4361-4977G>C (NM_001354244.2, NM_001354256.2, NM_001386161.1); c.4400-4977G>C (NM_001127493.3); c.4364-4977G>C (NM_001386143.1, NM_001354243.2, NM_001354255.2); c.4265-4977G>C (NM_001354262.2, NM_001354275.2, NM_001354245.2); c.4202-4977G>C (NM_001354253.2, NM_001354270.2); and 35 more; short protein forms E2410Q, E1210Q, E2449Q, E2332Q, E2457Q.
Identifiers: ClinVar variation 1757790 (VCV001757790.5), dbSNP rs764831534, ClinGen allele CA3051558.

ClinVar aggregate classification (germline): Conflicting classifications of pathogenicity. Review status: criteria provided, conflicting classifications (1 of 4 stars). 2 submissions from 2 submitters: Uncertain significance (1); Likely benign (1). Last evaluated 2023-05-07.

Conditions:
Long QT syndrome (LQTS). Identifiers: MedGen C0023976, MeSH D008133, MONDO:0002442. Disease mechanism: loss of function. Inheritance: Various modes of inheritance.
Cardiovascular phenotype. Identifiers: MedGen CN230736.

Allele frequency attached by ClinVar (database versions not stated): TOPMed below 0.00001; ExAC 0.00001; gnomAD 0.00001.
gnomAD v4.1: 10 of 1,613,986 alleles (0.00062%); highest among the groups gnomAD compares: Middle Eastern, 0.033%; no homozygotes.

Submissions (2):

Labcorp Genetics (formerly Invitae), Labcorp
Classification: Uncertain significance for Long QT syndrome. Last evaluated: 2023-05-07. Review status: criteria provided, single submitter. Criteria: Invitae Variant Classification Sherloc (09022015). Collection method: clinical testing. Allele origin: germline.
Comment: In summary, the available evidence is currently insufficient to determine the role of this variant in disease. Therefore, it has been classified as a Variant of Uncertain Significance. An algorithm developed to predict the effect of missense changes on protein structure and function (PolyPhen-2) suggests that this variant is likely to be disruptive. ClinVar contains an entry for this variant (Variation ID: 1757790). This variant has not been reported in the literature in individuals affected with ANK2-related conditions. This variant is present in population databases (rs764831534, gnomAD 0.0009%). This sequence change replaces glutamic acid, which is acidic and polar, with glutamine, which is neutral and polar, at codon 2410 of the ANK2 protein (p.Glu2410Gln).

Ambry Genetics
Classification: Likely benign for Cardiovascular phenotype. Last evaluated: 2020-05-22. Review status: criteria provided, single submitter. Criteria: Ambry Variant Classification Scheme 2023. Collection method: clinical testing. Allele origin: germline.